The following is an entry in ClinVar:

NM_001048174.2(MUTYH):c.365C>T (p.Thr122Ile)

Gene: MUTYH (mutY DNA glycosylase; minus strand). Cytogenetic location: 1p34.1.
Variant type: single nucleotide variant.
Coding change: c.365C>T on transcript NM_001048174.2 (MANE Select); coding-DNA position 365, C replaced by T.
Protein change: p.Thr122Ile; replaces threonine 122 with isoleucine.
Molecular consequence: missense variant. On other transcripts: non-coding transcript variant (1), intron variant (2).
Genome position (GRCh38, 1-based): chr1:45,333,110, G>A on the plus strand (C>T on the coding strand, the complement: MUTYH is on the minus strand). VCF-style: chr1-45333110-G-A. GRCh37 (hg19) VCF-style: chr1-45798782-G-A.
Other names: c.365C>T, p.Thr122Ile (NM_001048171.2, NM_001048173.2, NM_001293195.2); c.368C>T, p.Thr123Ile (NM_001048172.2); c.449C>T, p.Thr150Ile (NM_001128425.2); c.410C>T, p.Thr137Ile (NM_001293190.2); c.398C>T, p.Thr133Ile (NM_001293191.2); c.89C>T, p.Thr30Ile (NM_001293192.2, NM_001293196.2); c.440C>T, p.Thr147Ile (NM_012222.3); c.34-151C>T (NM_001350651.2, NM_001350650.2); short protein forms T150I, T133I, T147I, T122I, T123I, T137I, T30I.
Identifiers: ClinVar variation 185033 (VCV000185033.19), dbSNP rs745507536, ClinGen allele CA013582.

ClinVar aggregate classification (germline): Conflicting classifications of pathogenicity. Review status: criteria provided, conflicting classifications (1 of 4 stars). 5 submissions from 5 submitters: Uncertain significance (4); Benign (1). Last evaluated 2026-01-11.

Conditions:
Hereditary cancer-predisposing syndrome. Also called: Neoplastic Syndromes, Hereditary; Tumor predisposition; Hereditary Cancer Syndrome; Hereditary neoplastic syndrome. Identifiers: Orphanet 140162, MedGen C0027672, MeSH D009386, MONDO:0015356.
Familial adenomatous polyposis 2. Also called: Adenomas, multiple colorectal; COLORECTAL ADENOMATOUS POLYPOSIS, AUTOSOMAL RECESSIVE; ADENOMAS, MULTIPLE COLORECTAL, AUTOSOMAL RECESSIVE; MYH-associated polyposis; MUTYH Polyposis; FAP type 2. Identifiers: Orphanet 220460, Orphanet 247798, MedGen C3272841, MONDO:0012041, OMIM 608456.

Allele frequency attached by ClinVar (database versions not stated): gnomAD exomes below 0.00001; ExAC 0.00001.

Submissions (5):

Labcorp Genetics (formerly Invitae), Labcorp
Classification: Uncertain significance for Familial adenomatous polyposis 2. Last evaluated: 2026-01-11. Review status: criteria provided, single submitter. Criteria: Invitae Variant Classification Sherloc (09022015). Collection method: clinical testing. Allele origin: germline.
Comment: This sequence change replaces threonine, which is neutral and polar, with isoleucine, which is neutral and non-polar, at codon 150 of the MUTYH protein (p.Thr150Ile). This variant is present in population databases (rs745507536, gnomAD 0.0009%). This variant has not been reported in the literature in individuals affected with MUTYH-related conditions. ClinVar contains an entry for this variant (Variation ID: 185033). An algorithm developed to predict the effect of missense changes on protein structure and function (PolyPhen-2) suggests that this variant is likely to be tolerated. In summary, the available evidence is currently insufficient to determine the role of this variant in disease. Therefore, it has been classified as a Variant of Uncertain Significance.

Ambry Genetics
Classification: Benign for Hereditary cancer-predisposing syndrome. Last evaluated: 2025-09-09. Review status: criteria provided, single submitter. Criteria: Ambry Variant Classification Scheme 2023. Collection method: clinical testing. Allele origin: germline.

GeneDx
Classification: Uncertain significance. Last evaluated: 2024-08-28. Review status: criteria provided, single submitter. Criteria: GeneDx Variant Classification Process June 2021. Collection method: clinical testing. Allele origin: germline. Affected: yes.
Comment: Not observed at significant frequency in large population cohorts (gnomAD); In silico analysis supports that this missense variant has a deleterious effect on protein structure/function; Has not been previously published as pathogenic or benign to our knowledge

All of Us Research Program, National Institutes of Health
Classification: Uncertain significance for Familial adenomatous polyposis 2. Last evaluated: 2023-12-01. Review status: criteria provided, single submitter. Criteria: ACMG Guidelines, 2015. Collection method: clinical testing. Allele origin: germline. Inheritance: Autosomal recessive inheritance. Observed: 2 variant alleles, 2 heterozygotes.
Comment: This missense variant replaces threonine with isoleucine at codon 150 of the MUTYH protein. Computational prediction suggests that this variant may not impact protein structure and function (internally defined REVEL score threshold <= 0.5, PMID: 27666373). To our knowledge, functional studies have not been reported for this variant. This variant has not been reported in individuals affected with hereditary cancer in the literature. This variant has been identified in 1/251478 chromosomes in the general population by the Genome Aggregation Database (gnomAD). The available evidence is insufficient to determine the role of this variant in disease conclusively. Therefore, this variant is classified as a Variant of Uncertain Significance.

This study involves interpretation of variants in research participants for the purpose of population health screening. Participant phenotype was not available at the time of variant classification. Additional details can be found in publication PMID: 35346344, PMCID: PMC8962531

Women's Health and Genetics/Laboratory Corporation of America, LabCorp
Classification: Uncertain significance. Last evaluated: 2019-09-06. Review status: criteria provided, single submitter. Criteria: LabCorp Variant Classification Summary - May 2015. Collection method: clinical testing. Allele origin: germline.
Comment: Variant summary: MUTYH c.449C>T (p.Thr150Ile) results in a non-conservative amino acid change located in the HhH-GPD domain (IPR003265) of the encoded protein sequence. Three of five in-silico tools predict a benign effect of the variant on protein function. The variant allele was found at a frequency of 4e-06 in 251478 control chromosomes. The available data on variant occurrences in the general population are insufficient to allow any conclusion about variant significance. To our knowledge, no occurrence of c.449C>T in individuals affected with MUTYH-associated Polyposis and no experimental evidence demonstrating its impact on protein function have been reported. One clinical diagnostic laboratory has submitted clinical-significance assessments for this variant to ClinVar after 2014 without evidence for independent evaluation and classified the variant as uncertain significance. Based on the evidence outlined above, the variant was classified as uncertain significance.

Literature cited by the submitters: PubMed 40738107 (cited by Ambry Genetics).